The following is an entry in ClinVar:

ClinVar aggregate classification (germline): Uncertain significance (1 of 4 stars; one submission).

Submission:

Labcorp Genetics (formerly Invitae), Labcorp
Classification: Uncertain significance. Last evaluated: 2021-05-27. Review status: criteria provided, single submitter. Criteria: Invitae Variant Classification Sherloc (09022015). Collection method: clinical testing. Allele origin: germline.
Comment: In summary, the available evidence is currently insufficient to determine the role of this variant in disease. Therefore, it has been classified as a Variant of Uncertain Significance. Algorithms developed to predict the effect of missense changes on protein structure and function are either unavailable or do not agree on the potential impact of this missense change (SIFT: "Tolerated"; PolyPhen-2: "Possibly Damaging"; Align-GVGD: "Class C0"). This variant has not been reported in the literature in individuals with HOXB13-related conditions. This variant is not present in population databases (ExAC no frequency). This sequence change replaces glutamic acid with glycine at codon 119 of the HOXB13 protein (p.Glu119Gly). The glutamic acid residue is moderately conserved and there is a moderate physicochemical difference between glutamic acid and glycine.

NM_006361.6(HOXB13):c.356A>G (p.Glu119Gly)

Gene: HOXB13 (homeobox B13; minus strand). Cytogenetic location: 17q21.32.
Variant type: single nucleotide variant.
Coding change: c.356A>G on transcript NM_006361.6 (MANE Select); coding-DNA position 356, A replaced by G.
Protein change: p.Glu119Gly; replaces glutamic acid 119 with glycine.
Molecular consequence: missense variant.
Genome position (GRCh38, 1-based): chr17:48,728,238, T>C on the plus strand (A>G on the coding strand, the complement: HOXB13 is on the minus strand). VCF-style: chr17-48728238-T-C. GRCh37 (hg19) VCF-style: chr17-46805600-T-C.
Other names: short protein forms E119G.
Identifiers: ClinVar variation 1505994 (VCV001505994.8), dbSNP rs1383196644, ClinGen allele CA400107632.